The following is an entry in ClinVar:

ClinVar aggregate classification (germline): Uncertain significance. Review status: criteria provided, multiple submitters, no conflicts (2 of 4 stars). 3 submissions from 3 submitters: Uncertain significance (3). Last evaluated 2025-10-21.

Conditions:
Loeys-Dietz syndrome 4 (LDS4). Also called: TGFB2-Related Loeys-Dietz Syndrome; ANEURYSM, AORTIC AND CEREBRAL, WITH ARTERIAL TORTUOSITY AND SKELETAL MANIFESTATIONS. Identifiers: MedGen C3553762, MONDO:0013897, OMIM 614816.
Familial thoracic aortic aneurysm and aortic dissection (TAAD). Also called: Thoracic aortic aneurysms and dissections. Identifiers: Orphanet 91387, MedGen C4707243, MONDO:0019625.

Allele frequency attached by ClinVar (database versions not stated): gnomAD 0.00001; TOPMed 0.00001; ExAC 0.00002; gnomAD exomes 0.00002 and 0.00003.

Submissions (3):

Ambry Genetics
Classification: Uncertain significance for Familial thoracic aortic aneurysm and aortic dissection. Last evaluated: 2025-10-21. Review status: criteria provided, single submitter. Criteria: Ambry Variant Classification Scheme 2023. Collection method: clinical testing. Allele origin: germline.
Comment: The c.1052C>T (p.P351L) alteration is located in exon 6 (coding exon 6) of the TGFB2 gene. This alteration results from a C to T substitution at nucleotide position 1052, causing the proline (P) at amino acid position 351 to be replaced by a leucine (L). Based on data from gnomAD, the T allele has an overall frequency of 0.002% (5/281724) total alleles studied. The highest observed frequency was 0.004% (5/128802) of European (non-Finnish) alleles. This variant was reported in individual(s) with features consistent with TGFB2-related Loeys-Dietz syndrome (Chmielewski, 2023; external communication). This amino acid position is highly conserved in available vertebrate species. This alteration is predicted to be deleterious by in silico analysis. Based on insufficient or conflicting evidence, the clinical significance of this alteration remains unclear.

GeneDx
Classification: Uncertain significance. Last evaluated: 2025-08-06. Review status: criteria provided, single submitter. Criteria: GeneDx Variant Classification Process June 2021. Collection method: clinical testing. Allele origin: germline. Affected: yes.
Comment: Not observed at significant frequency in large population cohorts (gnomAD); In silico analysis supports that this missense variant has a deleterious effect on protein structure/function; Identified in a family with osteoporosis and low bone mineral density (BMD) in published literature; additional variants were identified in osteoporosis-related genes (PMID: 35205249); Also known as p.(P379L); This variant is associated with the following publications: (PMID: 35205249)

Labcorp Genetics (formerly Invitae), Labcorp
Classification: Uncertain significance for Loeys-Dietz syndrome 4. Last evaluated: 2024-11-24. Review status: criteria provided, single submitter. Criteria: Invitae Variant Classification Sherloc (09022015). Collection method: clinical testing. Allele origin: germline.
Comment: This sequence change replaces proline, which is neutral and non-polar, with leucine, which is neutral and non-polar, at codon 351 of the TGFB2 protein (p.Pro351Leu). This variant is present in population databases (rs773943154, gnomAD 0.004%). This missense change has been observed in individual(s) with osteoporosis (PMID: 35205249). ClinVar contains an entry for this variant (Variation ID: 666034). Invitae Evidence Modeling of protein sequence and biophysical properties (such as structural, functional, and spatial information, amino acid conservation, physicochemical variation, residue mobility, and thermodynamic stability) indicates that this missense variant is not expected to disrupt TGFB2 protein function with a negative predictive value of 80%. In summary, the available evidence is currently insufficient to determine the role of this variant in disease. Therefore, it has been classified as a Variant of Uncertain Significance.

Literature cited by the submitters: PubMed 37823753 (cited by Ambry Genetics); PubMed 35205249 (cited by Labcorp Genetics (formerly Invitae), Labcorp).

NM_003238.6(TGFB2):c.1052C>T (p.Pro351Leu)

Gene: TGFB2 (transforming growth factor beta 2; plus strand). Cytogenetic location: 1q41.
Variant type: single nucleotide variant.
Coding change: c.1052C>T on transcript NM_003238.6 (MANE Select); coding-DNA position 1052, C replaced by T.
Protein change: p.Pro351Leu; replaces proline 351 with leucine.
Molecular consequence: missense variant. On other transcripts: non-coding transcript variant (2).
Genome position (GRCh38, 1-based): chr1:218,437,462, C>T. VCF-style: chr1-218437462-C-T. GRCh37 (hg19) VCF-style: chr1-218610804-C-T.
Other names: c.1136C>T, p.Pro379Leu (NM_001135599.4); short protein forms P379L, P351L.
Identifiers: ClinVar variation 666034 (VCV000666034.17), dbSNP rs773943154, ClinGen allele CA1398666.